The following is an entry in ClinVar:

NM_000092.5(COL4A4):c.603G>A (p.Trp201Ter)

Gene: COL4A4 (collagen type IV alpha 4 chain; minus strand). Cytogenetic location: 2q36.3.
Variant type: single nucleotide variant.
Coding change: c.603G>A on transcript NM_000092.5 (MANE Select); coding-DNA position 603, G replaced by A.
Protein change: p.Trp201Ter; replaces tryptophan 201 with a stop codon.
Molecular consequence: nonsense.
Genome position (GRCh38, 1-based): chr2:227,109,278, C>T on the plus strand (G>A on the coding strand, the complement: COL4A4 is on the minus strand). VCF-style: chr2-227109278-C-T. GRCh37 (hg19) VCF-style: chr2-227973994-C-T.
Other names: short protein forms W201*.
Identifiers: ClinVar variation 1456125 (VCV001456125.7), dbSNP rs2061041235, ClinGen allele CA350859852.
Genomic context (GRCh38, chr2:227,109,278, plus strand): 5'-ACTTACCACTAACCCTGGCTCTCCAGGATATCCTGTGGGACCTGCCGGTCCTCCTGCACC[C>T]CAAGATCCCTAAACATGAGAAAAATCAGTGCATCTGTTACCCAAAATTGTAATCATCTTT-3'

ClinVar aggregate classification (germline): Pathogenic. Review status: criteria provided, multiple submitters, no conflicts (2 of 4 stars). 2 submissions from 2 submitters: Pathogenic (2). Last evaluated 2026-01-09.

Conditions:
Alport syndrome. Also called: Hemorrhagic familial nephritis; Hemorrhagic hereditary nephritis; Congenital hereditary hematuria. Identifiers: Orphanet 63, MedGen C1567741, MONDO:0018965.

Submissions (2):

Myriad Genetics, Inc.
Classification: Pathogenic for Alport syndrome. Last evaluated: 2026-01-09. Review status: criteria provided, single submitter. Criteria: Myriad Autosomal Dominant, Autosomal Recessive and X-Linked Classification Criteria (2023). Collection method: clinical testing. Allele origin: unknown.
Comment: NM_000092.4(COL4A4):c.603G>A(W201*) is expected to be pathogenic in the context of Alport syndrome, COL4A4-related. This variant is predicted to lead to an abnormal or absent protein product due to the creation of a premature termination codon in COL4A4, a gene where loss-of-function variants are known to be pathogenic. Please note: this variant was assessed in the context of healthy population screening.

Labcorp Genetics (formerly Invitae), Labcorp
Classification: Pathogenic. Last evaluated: 2020-12-14. Review status: criteria provided, single submitter. Criteria: Invitae Variant Classification Sherloc (09022015). Collection method: clinical testing. Allele origin: germline.
Comment: For these reasons, this variant has been classified as Pathogenic. This variant has not been reported in the literature in individuals with COL4A4-related conditions. This variant is not present in population databases (ExAC no frequency). This sequence change creates a premature translational stop signal (p.Trp201*) in the COL4A4 gene. It is expected to result in an absent or disrupted protein product. Loss-of-function variants in COL4A4 are known to be pathogenic (PMID: 21196518, 24854265, 25307543).

Literature cited by the submitters: PubMed 21196518 (cited by Labcorp Genetics (formerly Invitae), Labcorp); PubMed 24854265 (cited by Labcorp Genetics (formerly Invitae), Labcorp); PubMed 25307543 (cited by Labcorp Genetics (formerly Invitae), Labcorp).